The following is an entry in ClinVar:

NM_001283009.2(RTEL1):c.731G>A (p.Gly244Glu)

Genes: RTEL1 (regulator of telomere elongation helicase 1; plus strand), RTEL1-TNFRSF6B (RTEL1-TNFRSF6B readthrough (NMD candidate); plus strand). Cytogenetic location: 20q13.33.
Variant type: single nucleotide variant.
Coding change: c.731G>A on transcript NM_001283009.2 (MANE Select); coding-DNA position 731, G replaced by A.
Protein change: p.Gly244Glu; replaces glycine 244 with glutamic acid.
Molecular consequence: missense variant. On other transcripts: non-coding transcript variant (1).
Genome position (GRCh38, 1-based): chr20:63,672,587, G>A. VCF-style: chr20-63672587-G-A. GRCh37 (hg19) VCF-style: chr20-62303940-G-A.
Other names: c.62G>A, p.Gly21Glu (NM_001283010.1); c.731G>A, p.Gly244Glu (NM_016434.4); c.803G>A, p.Gly268Glu (NM_032957.5); short protein forms G21E, G244E, G268E.
Identifiers: ClinVar variation 1701427 (VCV001701427.31), dbSNP rs2146193321, ClinGen allele CA409672015.

ClinVar aggregate classification (germline): Uncertain significance. Review status: criteria provided, multiple submitters, no conflicts (2 of 4 stars). 2 submissions from 2 submitters: Uncertain significance (2). Last evaluated 2025-06-13.

Conditions:
Inborn genetic diseases. Identifiers: MedGen C0950123, MeSH D030342.

Allele frequency attached by ClinVar (database versions not stated): gnomAD exomes below 0.00001.
gnomAD v4.1: 1 of 1,587,420 alleles (0.000063%); highest among the groups gnomAD compares: Non-Finnish European, 0.000086%; no homozygotes.

Submissions (2):

Ambry Genetics
Classification: Uncertain significance for Inborn genetic diseases. Last evaluated: 2025-06-13. Review status: criteria provided, single submitter. Criteria: Ambry Variant Classification Scheme 2023. Collection method: clinical testing. Allele origin: germline.
Comment: The p.G244E variant (also known as c.731G>A), located in coding exon 8 of the RTEL1 gene, results from a G to A substitution at nucleotide position 731. The glycine at codon 244 is replaced by glutamic acid, an amino acid with similar properties. This amino acid position is conserved. In addition, the in silico prediction for this alteration is inconclusive. Based on the available evidence, the clinical significance of this variant remains unclear.

CeGaT Center for Human Genetics Tuebingen
Classification: Uncertain significance. Last evaluated: 2022-07-01. Review status: criteria provided, single submitter. Criteria: CeGaT Center For Human Genetics Tuebingen Variant Classification Criteria Version 2. Collection method: clinical testing. Allele origin: germline. Affected: yes. Observed: 1 variant allele.
Comment: RTEL1: PM2, PP4